The following is an entry in ClinVar:

NM_003331.5(TYK2):c.2175+152T>C

Gene: TYK2 (tyrosine kinase 2; minus strand). Cytogenetic location: 19p13.2.
Variant type: single nucleotide variant.
Coding change: c.2175+152T>C on transcript NM_003331.5 (MANE Select); 152 bases into the intron after coding-DNA position 2175, T replaced by C.
Molecular consequence: intron variant.
Genome position (GRCh38, 1-based): chr19:10,359,023, A>G on the plus strand (T>C on the coding strand, the complement: TYK2 is on the minus strand). VCF-style: chr19-10359023-A-G. GRCh37 (hg19) VCF-style: chr19-10469699-A-G.
Identifiers: ClinVar variation 675228 (VCV000675228.1), dbSNP rs12720294, ClinGen allele CA14711256.
Genomic context (GRCh38, chr19:10,359,023, plus strand): 5'-TGAGGCGGGAGAATCATTTGAACCCGGGAGGCGAAGGTTGCAGTGAGCCGAGATCATGCC[A>G]TTGCACTCCAGCCTGGGTGACAGGGCGAAACTCCACCTAAAACAAAACAAACAAAAAAGA-3'

ClinVar aggregate classification (germline): Benign (1 of 4 stars; one submission).

Allele frequency attached by ClinVar (database versions not stated): gnomAD exomes 0.08111; gnomAD 0.09278 and 0.09182; 1000 Genomes Project 30x 0.10009; 1000 Genomes Project 0.10224; TOPMed 0.09214.
gnomAD v4.1: 84,299 of 1,013,708 alleles (8.3%); highest among the groups gnomAD compares: Middle Eastern, 13%; 3,856 homozygotes.

Submission:

GeneDx
Classification: Benign. Last evaluated: 2018-06-16. Review status: criteria provided, single submitter. Criteria: GeneDx Variant Classification (06012015). Collection method: clinical testing. Allele origin: germline. Affected: yes.
Comment: This variant is considered likely benign or benign based on one or more of the following criteria: it is a conservative change, it occurs at a poorly conserved position in the protein, it is predicted to be benign by multiple in silico algorithms, and/or has population frequency not consistent with disease.